The following is an entry in ClinVar:

ClinVar aggregate classification (germline): Uncertain significance (1 of 4 stars; one submission).

Allele frequency attached by ClinVar (database versions not stated): TOPMed below 0.00001.
gnomAD v4.1: 2 of 1,614,140 alleles (0.00012%); highest among the groups gnomAD compares: Non-Finnish European, 0.000085%; no homozygotes.

Submission:

Ambry Genetics
Classification: Uncertain significance. Last evaluated: 2025-11-24. Review status: criteria provided, single submitter. Criteria: Ambry Variant Classification Scheme 2023. Collection method: clinical testing. Allele origin: germline.
Comment: The p.D565G variant (also known as c.1694A>G), located in coding exon 10 of the GALNT12 gene, results from an A to G substitution at nucleotide position 1694. The aspartic acid at codon 565 is replaced by glycine, an amino acid with similar properties. This amino acid position is conserved. In addition, this alteration is predicted to be tolerated by in silico analysis. Since supporting evidence is limited at this time, the clinical significance of this alteration remains unclear.

NM_024642.5(GALNT12):c.1694A>G (p.Asp565Gly)

Gene: GALNT12 (polypeptide N-acetylgalactosaminyltransferase 12; plus strand). Cytogenetic location: 9q22.33.
Variant type: single nucleotide variant.
Coding change: c.1694A>G on transcript NM_024642.5 (MANE Select); coding-DNA position 1694, A replaced by G.
Protein change: p.Asp565Gly; replaces aspartic acid 565 with glycine.
Molecular consequence: missense variant.
Genome position (GRCh38, 1-based): chr9:98,849,040, A>G. VCF-style: chr9-98849040-A-G. GRCh37 (hg19) VCF-style: chr9-101611322-A-G.
Other names: short protein forms D565G.
Identifiers: ClinVar variation 3227935 (VCV003227935.2), dbSNP rs1564265546, ClinGen allele CA374223177.
Genomic context (GRCh38, chr9:98,849,040, plus strand): 5'-AGAAATGTGTCCAGGCTGCGAGGAAGGAGTCGAGTGACAGTTTCGTTCCACTCTTACGAG[A>G]CTGCACCAACTCGGATCATCAGAAATGGTTCTTCAAAGAGCGCATGTTATGAAGCCTCGT-3'
Protein context (NP_078918.3, residues 555-575): SSDSFVPLLR[Asp565Gly]CTNSDHQKWF